The following is an entry in ClinVar:

ClinVar aggregate classification (germline): Uncertain significance. Review status: criteria provided, multiple submitters, no conflicts (2 of 4 stars). 2 submissions from 2 submitters: Uncertain significance (2). Last evaluated 2025-05-01.

Conditions:
Neurodevelopmental disorder. Identifiers: MedGen C1535926, MeSH D065886, MONDO:0700092.

Allele frequency attached by ClinVar (database versions not stated): gnomAD exomes below 0.00001 and 0.00001; ExAC 0.00001; TOPMed 0.00001.
gnomAD v4.1: 1 of 1,159,890 alleles (0.000086%); highest among the groups gnomAD compares: Non-Finnish European, 0.00012%; no homozygotes.

Submissions (2):

Developmental Brain Disorders Lab, Seattle Children's Hospital
Classification: Uncertain significance for Neurodevelopmental disorder. Last evaluated: 2025-05-01. Review status: criteria provided, single submitter. Criteria: ACMG Guidelines, 2015. Collection method: research. Allele origin: maternal. Affected: yes.
Comment: This is a missense variant that is present in only one heterozygous female in gnomAD v4.1.0. It meets ACMG variant classification criteria (PM2) (PMID:25741868).

HudsonAlpha Institute for Biotechnology
Classification: Uncertain significance. Last evaluated: 2021-07-22. Review status: criteria provided, single submitter. Criteria: ACMG Guidelines, 2015. Collection method: research. Allele origin: maternal. Observed: 1 variant allele. Study: HudsonAlpha-AGHI-WGS.
Comment: ACMG codes:PM2, PP3

NM_001282874.2(SMARCA1):c.2161G>A (p.Asp721Asn)

Gene: SMARCA1 (SNF2 related chromatin remodeling ATPase 1; minus strand). Cytogenetic location: Xq25.
Variant type: single nucleotide variant.
Coding change: c.2161G>A on transcript NM_001282874.2 (MANE Select); coding-DNA position 2161, G replaced by A.
Protein change: p.Asp721Asn; replaces aspartic acid 721 with asparagine.
Molecular consequence: missense variant.
Genome position (GRCh38, 1-based): chrX:129,487,074, C>T on the plus strand (G>A on the coding strand, the complement: SMARCA1 is on the minus strand). VCF-style: chrX-129487074-C-T. GRCh37 (hg19) VCF-style: chrX-128621051-C-T.
Other names: c.2125G>A, p.Asp709Asn (NM_001282875.2, NM_001378262.1, NM_001378263.1 and 1 more transcripts); c.2161G>A, p.Asp721Asn (NM_001378261.1, NM_003069.5); short protein forms D709N, D721N.
Identifiers: ClinVar variation 1240406 (VCV001240406.2), dbSNP rs766401027, ClinGen allele CA10511535.